The following is an entry in ClinVar:

NM_003865.3(HESX1):c.442_446delinsAAGGG (p.Glu148_Glu149delinsLysGly)

Gene: HESX1 (HESX homeobox 1; minus strand). Cytogenetic location: 3p14.3.
Variant type: Indel.
Coding change: c.442_446delinsAAGGG on transcript NM_003865.3 (MANE Select); coding-DNA positions 442 to 446, GAGGA replaced by AAGGG.
Protein change: p.Glu148_Glu149delinsLysGly.
Molecular consequence: missense variant. On other transcripts: non-coding transcript variant (1).
Genome position (GRCh38, 1-based): chr3:57,198,404-57,198,408, TCCTC replaced by CCCTT on the plus strand (GAGGA replaced by AAGGG on the coding strand, the reverse complement: HESX1 is on the minus strand). VCF-style: chr3-57198404-TCCTC-CCCTT. GRCh37 (hg19) VCF-style: chr3-57232432-TCCTC-CCCTT.
Other names: c.442_446delinsAAGGG, p.Glu148_Glu149delinsLysGly (NM_001376058.1, NM_001376059.1, NM_001376060.1 and 1 more transcripts).
Identifiers: ClinVar variation 4690155 (VCV004690155.1).

ClinVar aggregate classification (germline): Uncertain significance (1 of 4 stars; one submission).

Submission:

GeneDx
Classification: Uncertain significance. Last evaluated: 2025-07-29. Review status: criteria provided, single submitter. Criteria: GeneDx Variant Classification Process June 2021. Collection method: clinical testing. Allele origin: germline. Affected: yes.
Comment: Not observed at significant frequency in large population cohorts (gnomAD); In silico analysis supports a deleterious effect on protein structure/function; Has not been previously published as pathogenic or benign to our knowledge